The following is an entry in ClinVar:

ClinVar aggregate classification (germline): Uncertain significance. Review status: criteria provided, multiple submitters, no conflicts (2 of 4 stars). 2 submissions from 2 submitters: Uncertain significance (2). Last evaluated 2025-05-03.

Conditions:
Inborn genetic diseases. Identifiers: MedGen C0950123, MeSH D030342.

Allele frequency attached by ClinVar (database versions not stated): gnomAD exomes 0.00001; TOPMed 0.00001.

Submissions (2):

Ambry Genetics
Classification: Uncertain significance for Inborn genetic diseases. Last evaluated: 2025-05-03. Review status: criteria provided, single submitter. Criteria: Ambry Variant Classification Scheme 2023. Collection method: clinical testing. Allele origin: germline.

Labcorp Genetics (formerly Invitae), Labcorp
Classification: Uncertain significance. Last evaluated: 2021-11-21. Review status: criteria provided, single submitter. Criteria: Invitae Variant Classification Sherloc (09022015). Collection method: clinical testing. Allele origin: germline.
Comment: In summary, the available evidence is currently insufficient to determine the role of this variant in disease. Therefore, it has been classified as a Variant of Uncertain Significance. Algorithms developed to predict the effect of missense changes on protein structure and function (SIFT, PolyPhen-2, Align-GVGD) all suggest that this variant is likely to be disruptive. This variant has not been reported in the literature in individuals affected with LTBP2-related conditions. The frequency data for this variant in the population databases is considered unreliable, as metrics indicate poor data quality at this position in the gnomAD database. This sequence change replaces arginine, which is basic and polar, with tryptophan, which is neutral and slightly polar, at codon 73 of the LTBP2 protein (p.Arg73Trp).

NM_000428.3(LTBP2):c.217C>T (p.Arg73Trp)

Gene: LTBP2 (latent transforming growth factor beta binding protein 2; minus strand). Cytogenetic location: 14q24.3.
Variant type: single nucleotide variant.
Coding change: c.217C>T on transcript NM_000428.3 (MANE Select); coding-DNA position 217, C replaced by T.
Protein change: p.Arg73Trp; replaces arginine 73 with tryptophan.
Molecular consequence: missense variant.
Genome position (GRCh38, 1-based): chr14:74,611,728, G>A on the plus strand (C>T on the coding strand, the complement: LTBP2 is on the minus strand). VCF-style: chr14-74611728-G-A. GRCh37 (hg19) VCF-style: chr14-75078431-G-A.
Other names: c.217C>T (NM_000428.2); short protein forms R73W.
Identifiers: ClinVar variation 1400991 (VCV001400991.5), dbSNP rs1032653418, ClinGen allele CA263602001.
Genomic context (GRCh38, chr14:74,611,728, plus strand): 5'-CCCAGCCCGGCTGGGCCCGCTCCACGGGCTGCAAGCCCGCGACAGGCGCGTCCTGCTCCC[G>A]GAACAGACTGTACACCTTGGCTGCAGCCGCTGCCGGGTAGCTGCCCCCAGGGCGCCGCAG-3'
Protein context (NP_000419.1, residues 63-83): AAAAKVYSLF[Arg73Trp]EQDAPVAGLQ